The following is an entry in ClinVar:

ClinVar aggregate classification (germline): Likely benign (0 of 4 stars; one submission).

Conditions:
COL1A1-related disorder. Also called: COL1A1- related disease; COL1A1-related condition.

Submission:

PreventionGenetics, part of Exact Sciences
Classification: Likely benign for COL1A1-related condition. Last evaluated: 2023-12-27. Review status: no assertion criteria provided. Collection method: clinical testing. Allele origin: germline.
Comment: This variant is classified as likely benign based on ACMG/AMP sequence variant interpretation guidelines (Richards et al. 2015 PMID: 25741868, with internal and published modifications).

NM_000088.4(COL1A1):c.-8G>C

Gene: COL1A1 (collagen type I alpha 1 chain; minus strand). Cytogenetic location: 17q21.33.
Variant type: single nucleotide variant.
Coding change: c.-8G>C on transcript NM_000088.4 (MANE Select); 8 bases upstream of the start codon, G replaced by C.
Molecular consequence: 5 prime UTR variant.
Genome position (GRCh38, 1-based): chr17:50,201,521, C>G on the plus strand (G>C on the coding strand, the complement: COL1A1 is on the minus strand). VCF-style: chr17-50201521-C-G. GRCh37 (hg19) VCF-style: chr17-48278882-C-G.
Identifiers: ClinVar variation 3031637 (VCV003031637.2), dbSNP rs2509267516, ClinGen allele CA2576317826.